The following is an entry in ClinVar:

ClinVar aggregate classification (germline): Uncertain significance (1 of 4 stars; one submission).

Submission:

Women's Health and Genetics/Laboratory Corporation of America, LabCorp
Classification: Uncertain significance. Last evaluated: 2024-10-30. Review status: criteria provided, single submitter. Criteria: LabCorp Variant Classification Summary - May 2015. Collection method: clinical testing. Allele origin: germline.
Comment: Variant summary: PCCB c.1229G>T (p.Arg410Leu) results in a non-conservative amino acid change located in the Acetyl-coenzyme A carboxyltransferase, C-terminal (IPR011763) of the encoded protein sequence. Five of five in-silico tools predict a damaging effect of the variant on protein function. The variant was absent in 251060 control chromosomes. To our knowledge, no occurrence of c.1229G>T in individuals affected with Propionic Acidemia and no experimental evidence demonstrating its impact on protein function have been reported. A different variant affecting the same codon has been classified as pathogenic by our lab (c.1228C>T, p.Arg410Trp) and another (c.1229G>A, p.Arg410Gln) in ClinVar, supporting the critical relevance of codon 410 to PCCB protein function. No submitters have cited clinical-significance assessments for this variant to ClinVar. Based on the evidence outlined above, the variant was classified as VUS-possibly pathogenic.

NM_000532.5(PCCB):c.1229G>T (p.Arg410Leu)

Gene: PCCB (propionyl-CoA carboxylase subunit beta; plus strand). Cytogenetic location: 3q22.3.
Variant type: single nucleotide variant.
Coding change: c.1229G>T on transcript NM_000532.5 (MANE Select); coding-DNA position 1229, G replaced by T.
Protein change: p.Arg410Leu; replaces arginine 410 with leucine.
Molecular consequence: missense variant.
Genome position (GRCh38, 1-based): chr3:136,327,185, G>T. VCF-style: chr3-136327185-G-T. GRCh37 (hg19) VCF-style: chr3-136046027-G-T.
Other names: c.1289G>T, p.Arg430Leu (NM_001178014.2); short protein forms R410L, R430L.
Identifiers: ClinVar variation 3385257 (VCV003385257.1).
Genomic context (GRCh38, chr3:136,327,185, plus strand): 5'-GGGTATCTAGTAACTCTTCCTCATGTCTAGGCACAGCACAGGAATACGGGGGCATCATCC[G>T]GCATGGTGCCAAGCTTCTCTACGCATTTGCTGAGGCAACTGTACCCAAAGTCACAGTCAT-3'
Protein context (NP_000523.2, residues 400-420): GTAQEYGGII[Arg410Leu]HGAKLLYAFA